The following is an entry in ClinVar:

NM_000465.4(BARD1):c.1396C>T (p.His466Tyr)

Gene: BARD1 (BRCA1 associated RING domain 1; minus strand). Cytogenetic location: 2q35.
Variant type: single nucleotide variant.
Coding change: c.1396C>T on transcript NM_000465.4 (MANE Select); coding-DNA position 1396, C replaced by T.
Protein change: p.His466Tyr; replaces histidine 466 with tyrosine.
Molecular consequence: missense variant. On other transcripts: non-coding transcript variant (3), intron variant (3).
Genome position (GRCh38, 1-based): chr2:214,767,654, G>A on the plus strand (C>T on the coding strand, the complement: BARD1 is on the minus strand). VCF-style: chr2-214767654-G-A. GRCh37 (hg19) VCF-style: chr2-215632378-G-A.
Other names: c.1339C>T, p.His447Tyr (NM_001282543.2); c.159-15099C>T (NM_001282548.2); c.216-15099C>T (NM_001282545.2); c.364+24643C>T (NM_001282549.2); short protein forms H447Y, H466Y.
Identifiers: ClinVar variation 3572093 (VCV003572093.3).

ClinVar aggregate classification (germline): Uncertain significance. Review status: criteria provided, multiple submitters, no conflicts (2 of 4 stars). 2 submissions from 2 submitters: Uncertain significance (2). Last evaluated 2024-09-09.

Conditions:
Familial cancer of breast. Also called: Hereditary breast cancer; BREAST CANCER, FAMILIAL; hereditary breast carcinoma. Identifiers: Orphanet 227535, MedGen C0346153, MONDO:0016419, OMIM 114480. Disease mechanism: loss of function.

gnomAD v4.1: 3 of 1,613,750 alleles (0.00019%); highest among the groups gnomAD compares: East Asian, 0.0067%; no homozygotes.

Submissions (2):

Labcorp Genetics (formerly Invitae), Labcorp
Classification: Uncertain significance for Familial cancer of breast. Last evaluated: 2024-09-09. Review status: criteria provided, single submitter. Criteria: Invitae Variant Classification Sherloc (09022015). Collection method: clinical testing. Allele origin: germline.
Comment: This sequence change replaces histidine, which is basic and polar, with tyrosine, which is neutral and polar, at codon 466 of the BARD1 protein (p.His466Tyr). This variant is not present in population databases (gnomAD no frequency). This variant has not been reported in the literature in individuals affected with BARD1-related conditions. An algorithm developed to predict the effect of missense changes on protein structure and function (PolyPhen-2) suggests that this variant is likely to be disruptive. In summary, the available evidence is currently insufficient to determine the role of this variant in disease. Therefore, it has been classified as a Variant of Uncertain Significance.

Quest Diagnostics Nichols Institute San Juan Capistrano
Classification: Uncertain significance. Last evaluated: 2024-03-19. Review status: criteria provided, single submitter. Criteria: Quest Diagnostics criteria. Collection method: clinical testing. Allele origin: unknown.
Comment: The BARD1 c.1396C>T (p.His466Tyr) variant has not been reported in individuals with BARD1-related conditions in the published literature. It also has not been reported in large, multi-ethnic general populations (Genome Aggregation Database). Analysis of this variant using bioinformatics tools for the prediction of the effect of amino acid changes on protein structure and function yielded predictions that this variant is damaging. Based on the available information, we are unable to determine the clinical significance of this variant.